The following is an entry in ClinVar:

NM_138927.4(SON):c.2089G>A (p.Gly697Arg)

Gene: SON (SON DNA and RNA binding protein; plus strand). Cytogenetic location: 21q22.11.
Variant type: single nucleotide variant.
Coding change: c.2089G>A on transcript NM_138927.4 (MANE Select); coding-DNA position 2089, G replaced by A.
Protein change: p.Gly697Arg; replaces glycine 697 with arginine.
Molecular consequence: missense variant. On other transcripts: non-coding transcript variant (1), intron variant (1).
Genome position (GRCh38, 1-based): chr21:33,551,320, G>A. VCF-style: chr21-33551320-G-A. GRCh37 (hg19) VCF-style: chr21-34923626-G-A.
Other names: c.2089G>A, p.Gly697Arg (NM_001291411.2, NM_001412133.1, NM_032195.3 and 2 more transcripts); c.244+4941G>A (NM_001291412.3); short protein forms G697R.
Identifiers: ClinVar variation 2574319 (VCV002574319.1), dbSNP rs2517360150, ClinGen allele CA410156966.
Genomic context (GRCh38, chr21:33,551,320, plus strand): 5'-TCGACGACAGCGCTGGAATCCTATAATACGGTAGCACAGGAGCTGCCTACTACATTAGTG[G>A]GGGAGACTTCTGTAACAGTAGGAGTGGATCCCTTGATGGCCCCAGAATCCCATATATTAG-3'
Protein context (NP_620305.3, residues 687-707): VAQELPTTLV[Gly697Arg]ETSVTVGVDP

ClinVar aggregate classification (germline): Uncertain significance (1 of 4 stars; one submission).

Submission:

GeneDx
Classification: Uncertain significance. Last evaluated: 2023-01-27. Review status: criteria provided, single submitter. Criteria: GeneDx Variant Classification Process June 2021. Collection method: clinical testing. Allele origin: germline. Affected: yes.
Comment: Not observed at significant frequency in large population cohorts (gnomAD); In silico analysis supports that this missense variant has a deleterious effect on protein structure/function; Has not been previously published as pathogenic or benign to our knowledge